The following is an entry in ClinVar:

NM_001103.4(ACTN2):c.303C>A (p.Asn101Lys)

Gene: ACTN2 (actinin alpha 2; plus strand). Cytogenetic location: 1q43.
Variant type: single nucleotide variant.
Coding change: c.303C>A on transcript NM_001103.4 (MANE Select); coding-DNA position 303, C replaced by A.
Protein change: p.Asn101Lys; replaces asparagine 101 with lysine.
Molecular consequence: missense variant. On other transcripts: non-coding transcript variant (1).
Genome position (GRCh38, 1-based): chr1:236,718,955, C>A. VCF-style: chr1-236718955-C-A. GRCh37 (hg19) VCF-style: chr1-236882255-C-A.
Other names: c.303C>A, p.Asn101Lys (NM_001278343.2); c.-519C>A (NM_001278344.2); c.-644C>A (NM_001412150.1); short protein forms N101K.
Identifiers: ClinVar variation 2950061 (VCV002950061.3), dbSNP rs921392642, ClinGen allele CA345373577.

ClinVar aggregate classification (germline): Uncertain significance (1 of 4 stars; one submission).

Conditions:
Primary familial hypertrophic cardiomyopathy (HCM). Identifiers: Orphanet 99739, MedGen C0949658, MeSH D024741, MONDO:0024573. Inheritance: Various modes of inheritance.
Dilated cardiomyopathy 1AA (CMD1AA). Also called: CARDIOMYOPATHY, DILATED, 1AA, WITH OR WITHOUT LEFT VENTRICULAR NONCOMPACTION; CARDIOMYOPATHY, FAMILIAL HYPERTROPHIC, 23, WITH OR WITHOUT LEFT VENTRICULAR NONCOMPACTION; Cardiomyopathy, dilated, 1AA, with or without LVNC. Identifiers: Orphanet 154, MedGen C2677338, MONDO:0012808, OMIM 612158.

Submission:

Labcorp Genetics (formerly Invitae), Labcorp
Classification: Uncertain significance for Primary familial hypertrophic cardiomyopathy; Dilated cardiomyopathy 1AA. Last evaluated: 2023-07-21. Review status: criteria provided, single submitter. Criteria: Invitae Variant Classification Sherloc (09022015). Collection method: clinical testing. Allele origin: germline.
Comment: This variant is not present in population databases (gnomAD no frequency). In summary, the available evidence is currently insufficient to determine the role of this variant in disease. Therefore, it has been classified as a Variant of Uncertain Significance. Advanced modeling of protein sequence and biophysical properties (such as structural, functional, and spatial information, amino acid conservation, physicochemical variation, residue mobility, and thermodynamic stability) performed at Invitae indicates that this missense variant is expected to disrupt ACTN2 protein function. This variant has not been reported in the literature in individuals affected with ACTN2-related conditions. This sequence change replaces asparagine, which is neutral and polar, with lysine, which is basic and polar, at codon 101 of the ACTN2 protein (p.Asn101Lys).